The following is an entry in ClinVar:

ClinVar aggregate classification (germline): Pathogenic (1 of 4 stars; one submission).

Submission:

GeneDx
Classification: Pathogenic. Last evaluated: 2017-07-28. Review status: criteria provided, single submitter. Criteria: GeneDx Variant Classification (06012015). Collection method: clinical testing. Allele origin: germline. Affected: yes.
Comment: The S1805X variant in the ABCA12 gene has not been reported previously as a pathogenic variant, nor as a benign variant, to our knowledge. This variant is predicted to cause loss of normal protein function either through protein truncation or nonsense-mediated mRNA decay. The S1805X variant is not observed in large population cohorts (Lek et al., 2016; 1000 Genomes Consortium et al., 2015; Exome Variant Server). We interpret S1805X as a pathogenic variant.

NM_173076.3(ABCA12):c.5414C>G (p.Ser1805Ter)

Gene: ABCA12 (ATP binding cassette subfamily A member 12; minus strand). Cytogenetic location: 2q35.
Variant type: single nucleotide variant.
Coding change: c.5414C>G on transcript NM_173076.3 (MANE Select); coding-DNA position 5414, C replaced by G.
Protein change: p.Ser1805Ter; replaces serine 1805 with a stop codon.
Molecular consequence: nonsense. On other transcripts: non-coding transcript variant (1).
Genome position (GRCh38, 1-based): chr2:214,974,832, G>C on the plus strand (C>G on the coding strand, the complement: ABCA12 is on the minus strand). VCF-style: chr2-214974832-G-C. GRCh37 (hg19) VCF-style: chr2-215839556-G-C.
Other names: c.4460C>G, p.Ser1487Ter (NM_015657.4); short protein forms S1805*, S1487*.
Identifiers: ClinVar variation 448978 (VCV000448978.2), dbSNP rs1553522866, ClinGen allele CA350456460.
Genomic context (GRCh38, chr2:214,974,832, plus strand): 5'-ACTTACAGATCACTGGTGTTCAGACACATGTTGTCAATTCCAGGGAAGTCCCACATTGCT[G>C]AGACAAGTGCTTCCGTGCTCGGGTGATAATTACTGCAATATGAAAGGACAGAAACAAATT-3'